The following is an entry in ClinVar:

NM_203446.3(SYNJ1):c.2236A>C (p.Ile746Leu)

Gene: SYNJ1 (synaptojanin 1; minus strand). Cytogenetic location: 21q22.11.
Variant type: single nucleotide variant.
Coding change: c.2236A>C on transcript NM_203446.3 (MANE Select); coding-DNA position 2236, A replaced by C.
Protein change: p.Ile746Leu; replaces isoleucine 746 with leucine.
Molecular consequence: missense variant.
Genome position (GRCh38, 1-based): chr21:32,664,981, T>G on the plus strand (A>C on the coding strand, the complement: SYNJ1 is on the minus strand). VCF-style: chr21-32664981-T-G. GRCh37 (hg19) VCF-style: chr21-34037291-T-G.
Other names: c.2236A>C, p.Ile746Leu (NM_001160302.2); c.2221A>C, p.Ile741Leu (NM_001160306.2); c.2353A>C, p.Ile785Leu (NM_003895.4); short protein forms I746L, I741L, I785L.
Identifiers: ClinVar variation 858033 (VCV000858033.9), dbSNP rs2040867077, ClinGen allele CA410077246.

ClinVar aggregate classification (germline): Uncertain significance (1 of 4 stars; one submission).

Conditions:
Developmental and epileptic encephalopathy, 53. Also called: Epileptic encephalopathy, early infantile, 53. Identifiers: MedGen C4479313, MONDO:0033362, OMIM 617389.
Early-onset Parkinson disease 20. Also called: PARKINSON DISEASE 20, AUTOSOMAL RECESSIVE EARLY-ONSET. Identifiers: Orphanet 391411, MedGen C3809824, MONDO:0014233, OMIM 615530.

Allele frequency attached by ClinVar (database versions not stated): gnomAD 0.00001 and 0.00002; TOPMed 0.00001.

Submission:

Labcorp Genetics (formerly Invitae), Labcorp
Classification: Uncertain significance for Developmental and epileptic encephalopathy, 53; Early-onset Parkinson disease 20. Last evaluated: 2025-01-06. Review status: criteria provided, single submitter. Criteria: Invitae Variant Classification Sherloc (09022015). Collection method: clinical testing. Allele origin: germline.
Comment: This sequence change replaces isoleucine, which is neutral and non-polar, with leucine, which is neutral and non-polar, at codon 785 of the SYNJ1 protein (p.Ile785Leu). This variant is not present in population databases (gnomAD no frequency). This variant has not been reported in the literature in individuals affected with SYNJ1-related conditions. ClinVar contains an entry for this variant (Variation ID: 858033). Invitae Evidence Modeling of protein sequence and biophysical properties (such as structural, functional, and spatial information, amino acid conservation, physicochemical variation, residue mobility, and thermodynamic stability) indicates that this missense variant is not expected to disrupt SYNJ1 protein function with a negative predictive value of 80%. In summary, the available evidence is currently insufficient to determine the role of this variant in disease. Therefore, it has been classified as a Variant of Uncertain Significance.